The following is an entry in ClinVar:

NM_002156.5(HSPD1):c.1565C>G (p.Thr522Arg)

Gene: HSPD1 (heat shock protein family D (Hsp60) member 1; minus strand). Cytogenetic location: 2q33.1.
Variant type: single nucleotide variant.
Coding change: c.1565C>G on transcript NM_002156.5 (MANE Select); coding-DNA position 1565, C replaced by G.
Protein change: p.Thr522Arg; replaces threonine 522 with arginine.
Molecular consequence: missense variant.
Genome position (GRCh38, 1-based): chr2:197,487,862, G>C on the plus strand (C>G on the coding strand, the complement: HSPD1 is on the minus strand). VCF-style: chr2-197487862-G-C. GRCh37 (hg19) VCF-style: chr2-198352586-G-C.
Other names: c.1565C>G, p.Thr522Arg (NM_199440.2); short protein forms T522R.
Identifiers: ClinVar variation 2720696 (VCV002720696.3), dbSNP rs199668367, ClinGen allele CA2043342.

ClinVar aggregate classification (germline): Uncertain significance (1 of 4 stars; one submission).

Conditions:
Spastic paraplegia. Identifiers: MedGen C0037772, HP:0001258.

Allele frequency attached by ClinVar (database versions not stated): gnomAD exomes below 0.00001; ExAC 0.00001.
gnomAD v4.1: 6 of 1,611,760 alleles (0.00037%); highest among the groups gnomAD compares: South Asian, 0.0066%; no homozygotes.

Submission:

Labcorp Genetics (formerly Invitae), Labcorp
Classification: Uncertain significance for Spastic paraplegia. Last evaluated: 2023-04-01. Review status: criteria provided, single submitter. Criteria: Invitae Variant Classification Sherloc (09022015). Collection method: clinical testing. Allele origin: germline.
Comment: In summary, the available evidence is currently insufficient to determine the role of this variant in disease. Therefore, it has been classified as a Variant of Uncertain Significance. Advanced modeling of protein sequence and biophysical properties (such as structural, functional, and spatial information, amino acid conservation, physicochemical variation, residue mobility, and thermodynamic stability) performed at Invitae indicates that this missense variant is expected to disrupt HSPD1 protein function. This variant has not been reported in the literature in individuals affected with HSPD1-related conditions. This variant is present in population databases (rs199668367, gnomAD 0.006%). This sequence change replaces threonine, which is neutral and polar, with arginine, which is basic and polar, at codon 522 of the HSPD1 protein (p.Thr522Arg).